The following is an entry in ClinVar:

NM_006005.3(WFS1):c.2575C>A (p.Arg859=)

Gene: WFS1 (wolframin ER transmembrane glycoprotein; plus strand). Cytogenetic location: 4p16.1.
Variant type: single nucleotide variant.
Coding change: c.2575C>A on transcript NM_006005.3 (MANE Select); coding-DNA position 2575, C replaced by A.
Protein change: p.Arg859=; no amino-acid change (arginine 859 retained).
Molecular consequence: synonymous variant.
Genome position (GRCh38, 1-based): chr4:6,302,370, C>A. VCF-style: chr4-6302370-C-A. GRCh37 (hg19) VCF-style: chr4-6304097-C-A.
Other names: c.2575C>A, p.Arg859= (NM_001145853.1).
Identifiers: ClinVar variation 228238 (VCV000228238.5), dbSNP rs372298367, ClinGen allele CA10576642.

ClinVar aggregate classification (germline): Likely benign (1 of 4 stars; one submission).

Submission:

Laboratory for Molecular Medicine, Mass General Brigham Personalized Medicine
Classification: Likely benign. Last evaluated: 2016-02-07. Review status: criteria provided, single submitter. Criteria: LMM Criteria. Collection method: clinical testing. Allele origin: germline. Observed: 1 variant allele.
Comment: p.Arg859Arg in exon 8 of WFS1: This variant is not expected to have clinical sig nificance because it does not alter an amino acid residue and is not located wit hin the splice consensus sequence.